The following is an entry in ClinVar:

NM_005911.6(MAT2A):c.158A>G (p.Lys53Arg)

Genes: GGCX (gamma-glutamyl carboxylase; minus strand), MAT2A (methionine adenosyltransferase 2A; plus strand). Cytogenetic location: 2p11.2.
Variant type: single nucleotide variant.
Coding change: c.158A>G on transcript NM_005911.6 (MANE Select); coding-DNA position 158, A replaced by G.
Protein change: p.Lys53Arg; replaces lysine 53 with arginine.
Molecular consequence: missense variant.
Genome position (GRCh38, 1-based): chr2:85,541,149, A>G. VCF-style: chr2-85541149-A-G. GRCh37 (hg19) VCF-style: chr2-85768272-A-G.
Other names: short protein forms K53R.
Identifiers: ClinVar variation 1775870 (VCV001775870.3), dbSNP rs141686174, ClinGen allele CA51724455.

ClinVar aggregate classification (germline): Uncertain significance. Review status: criteria provided, multiple submitters, no conflicts (2 of 4 stars). 2 submissions from 2 submitters: Uncertain significance (2). Last evaluated 2025-07-13.

Conditions:
Familial thoracic aortic aneurysm and aortic dissection (TAAD). Also called: Thoracic aortic aneurysms and dissections. Identifiers: Orphanet 91387, MedGen C4707243, MONDO:0019625.
Cardiovascular phenotype. Identifiers: MedGen CN230736.

Allele frequency attached by ClinVar (database versions not stated): TOPMed below 0.00001; gnomAD 0.00001; gnomAD exomes 0.00001; ESP Exome Variant Server 0.00008.
gnomAD v4.1: 12 of 1,613,630 alleles (0.00074%); highest among the groups gnomAD compares: East Asian, 0.0022%; 1 homozygote.

Submissions (2):

Labcorp Genetics (formerly Invitae), Labcorp
Classification: Uncertain significance for Familial thoracic aortic aneurysm and aortic dissection. Last evaluated: 2025-07-13. Review status: criteria provided, single submitter. Criteria: Invitae Variant Classification Sherloc (09022015). Collection method: clinical testing. Allele origin: germline.
Comment: This sequence change replaces lysine, which is basic and polar, with arginine, which is basic and polar, at codon 53 of the MAT2A protein (p.Lys53Arg). This variant is present in population databases (rs141686174, gnomAD 0.006%). This variant has not been reported in the literature in individuals affected with MAT2A-related conditions. ClinVar contains an entry for this variant (Variation ID: 1775870). Invitae Evidence Modeling of protein sequence and biophysical properties (such as structural, functional, and spatial information, amino acid conservation, physicochemical variation, residue mobility, and thermodynamic stability) indicates that this missense variant is not expected to disrupt MAT2A protein function with a negative predictive value of 80%. In summary, the available evidence is currently insufficient to determine the role of this variant in disease. Therefore, it has been classified as a Variant of Uncertain Significance.

Ambry Genetics
Classification: Uncertain significance for Cardiovascular phenotype. Last evaluated: 2020-04-03. Review status: criteria provided, single submitter. Criteria: Ambry Variant Classification Scheme 2023. Collection method: clinical testing. Allele origin: germline.
Comment: The p.K53R variant (also known as c.158A>G), located in coding exon 2 of the MAT2A gene, results from an A to G substitution at nucleotide position 158. The lysine at codon 53 is replaced by arginine, an amino acid with highly similar properties. This amino acid position is highly conserved in available vertebrate species. In addition, the in silico prediction for this alteration is inconclusive. Since supporting evidence is limited at this time, the clinical significance of this alteration remains unclear.